The following is an entry in ClinVar:

ClinVar aggregate classification (germline): Benign. Review status: criteria provided, multiple submitters, no conflicts (2 of 4 stars). 2 submissions from 2 submitters: Benign (2). Last evaluated 2025-09-27.

Conditions:
Familial cancer of breast. Also called: Hereditary breast cancer; BREAST CANCER, FAMILIAL; hereditary breast carcinoma. Identifiers: Orphanet 227535, MedGen C0346153, MONDO:0016419, OMIM 114480. Disease mechanism: loss of function.

Submissions (2):

Labcorp Genetics (formerly Invitae), Labcorp
Classification: Benign for Familial cancer of breast. Last evaluated: 2025-09-27. Review status: criteria provided, single submitter. Criteria: Invitae Variant Classification Sherloc (09022015). Collection method: clinical testing. Allele origin: germline.

Myriad Genetics, Inc.
Classification: Benign for Familial cancer of breast. Last evaluated: 2025-01-21. Review status: criteria provided, single submitter. Criteria: Myriad Autosomal Dominant, Autosomal Recessive and X-Linked Classification Criteria (2023). Collection method: clinical testing. Allele origin: unknown.
Comment: This variant is considered benign. This variant is intronic and is not expected to impact mRNA splicing.

NM_024675.4(PALB2):c.2997-20dup

Gene: PALB2 (partner and localizer of BRCA2; minus strand). Cytogenetic location: 16p12.2.
Variant type: Duplication.
Coding change: c.2997-20dup on transcript NM_024675.4 (MANE Select); 20 bases into the intron before coding-DNA position 2997, one base duplicated (T; older notation c.2997-20dupT).
Molecular consequence: intron variant.
Genome position (GRCh38, 1-based): chr16:23,621,498, A duplicated on the plus strand (T on the coding strand, the reverse complement: PALB2 is on the minus strand); the first of 4 consecutive A bases (chr16:23,621,498-23,621,501); duplicating any one gives the same sequence. VCF-style (leftmost placement, unchanged base first): chr16-23621497-G-GA. GRCh37 (hg19) VCF-style: chr16-23632818-G-GA.
Identifiers: ClinVar variation 1944704 (VCV001944704.6), dbSNP rs2506321404, ClinGen allele CA2580091349.
Genomic context (GRCh38, chr16:23,621,497, plus strand): 5'-ATAGTCTCCTCAGGGGGCATCAAAAATTGGTTTTCTTTGCCTCTGTAATTAAAACAGTAT[G>GA]AAAAGTCAGTACTTTGCACTAAAGCAGTCTCTAGGTAGCCCTTCTCCGCATTGTTGAACT-3'